The following is an entry in ClinVar:

ClinVar aggregate classification (germline): Uncertain significance. Review status: criteria provided, multiple submitters, no conflicts (2 of 4 stars). 3 submissions from 3 submitters: Uncertain significance (3). Last evaluated 2025-08-10.

Conditions:
SOS1-related disorder. Also called: SOS1-related condition.
RASopathy. Also called: rasopathies; Noonan spectrum disorder. Identifiers: Orphanet 536391, MedGen C5555857, MONDO:0021060.

Allele frequency attached by ClinVar (database versions not stated): gnomAD exomes below 0.00001; TOPMed below 0.00001.
gnomAD v4.1: 1 of 1,613,386 alleles (0.000062%); highest among the groups gnomAD compares: African/African-American, 0.0013%; no homozygotes.

Submissions (3):

Labcorp Genetics (formerly Invitae), Labcorp
Classification: Uncertain significance for RASopathy. Last evaluated: 2025-08-10. Review status: criteria provided, single submitter. Criteria: Invitae Variant Classification Sherloc (09022015). Collection method: clinical testing. Allele origin: germline.
Comment: This sequence change replaces proline, which is neutral and non-polar, with arginine, which is basic and polar, at codon 580 of the SOS1 protein (p.Pro580Arg). This variant is not present in population databases (gnomAD no frequency). This variant has not been reported in the literature in individuals affected with SOS1-related conditions. ClinVar contains an entry for this variant (Variation ID: 1365663). Invitae Evidence Modeling of protein sequence and biophysical properties (such as structural, functional, and spatial information, amino acid conservation, physicochemical variation, residue mobility, and thermodynamic stability) has been performed for this missense variant. However, the output from this modeling did not meet the statistical confidence thresholds required to predict the impact of this variant on SOS1 protein function. In summary, the available evidence is currently insufficient to determine the role of this variant in disease. Therefore, it has been classified as a Variant of Uncertain Significance.

PreventionGenetics, part of Exact Sciences
Classification: Uncertain significance for SOS1-related condition. Last evaluated: 2025-04-14. Review status: criteria provided, single submitter. Criteria: ACMG Guidelines, 2015. Collection method: clinical testing. Allele origin: germline.
Comment: The SOS1 c.1739C>G variant is predicted to result in the amino acid substitution p.Pro580Arg. To our knowledge, this variant has not been reported in the literature or in a large population database (gnomAD), indicating this variant is rare. At this time, the clinical significance of this variant is uncertain due to the absence of conclusive functional and genetic evidence.

CeGaT Center for Human Genetics Tuebingen
Classification: Uncertain significance. Last evaluated: 2023-06-01. Review status: criteria provided, single submitter. Criteria: CeGaT Center For Human Genetics Tuebingen Variant Classification Criteria Version 2. Collection method: clinical testing. Allele origin: germline. Affected: yes. Observed: 1 variant allele.
Comment: SOS1: PM2

NM_005633.4(SOS1):c.1739C>G (p.Pro580Arg)

Gene: SOS1 (SOS Ras/Rac guanine nucleotide exchange factor 1; minus strand). Cytogenetic location: 2p22.1.
Variant type: single nucleotide variant.
Coding change: c.1739C>G on transcript NM_005633.4 (MANE Select); coding-DNA position 1739, C replaced by G.
Protein change: p.Pro580Arg; replaces proline 580 with arginine.
Molecular consequence: missense variant.
Genome position (GRCh38, 1-based): chr2:39,022,689, G>C on the plus strand (C>G on the coding strand, the complement: SOS1 is on the minus strand). VCF-style: chr2-39022689-G-C. GRCh37 (hg19) VCF-style: chr2-39249830-G-C.
Other names: c.1739C>G (NM_005633.3); c.1718C>G, p.Pro573Arg (NM_001382394.1); c.1739C>G, p.Pro580Arg (NM_001382395.1); short protein forms P573R, P580R.
Identifiers: ClinVar variation 1365663 (VCV001365663.30), dbSNP rs1669835119, ClinGen allele CA346365493.
Genomic context (GRCh38, chr2:39,022,689, plus strand): 5'-ATTGGAATTCCAGCCTTGGGCTGCATGTTCTCTTCAAATATAATATTCTCTTCAGAGTCA[G>C]GCTCTGCAAATCTATAAACATCAGCACTAGGCAGCCTCATCTGCTCCTCTTTCTCTTCCT-3'
Protein context (NP_005624.2, residues 570-590): PSADVYRFAE[Pro580Arg]DSEENIIFEE